The following is an entry in ClinVar:

ClinVar aggregate classification (germline): Pathogenic/Likely pathogenic. Review status: criteria provided, multiple submitters, no conflicts (2 of 4 stars). 11 submissions from 11 submitters: Pathogenic (7); Likely pathogenic (3). 1 of the submissions does not count toward it. Last evaluated 2026-08-13.

Conditions:
ACADM-related disorder. Also called: ACADM-related condition.
MCADD - Medium-chain acyl-CoA dehydrogenase deficiency – full ACADM sequencing newborn screening follow up.
Medium-chain acyl-coenzyme A dehydrogenase deficiency (ACADMD). Also called: Medium chain acyl-CoA dehydrogenase deficiency; MCADD; CARNITINE DEFICIENCY SECONDARY TO MEDIUM-CHAIN ACYL-CoA DEHYDROGENASE DEFICIENCY; ACADM DEFICIENCY; MCADH DEFICIENCY; MCAD Deficiency. Identifiers: Orphanet 42, MedGen C0220710, MONDO:0008721, OMIM 201450.

Allele frequency attached by ClinVar (database versions not stated): gnomAD exomes 0.00001 and 0.00003; TOPMed 0.00001.
gnomAD v4.1: 19 of 1,614,072 alleles (0.0012%); highest among the groups gnomAD compares: Non-Finnish European, 0.0016%; no homozygotes.

Submissions (11):

Genetics Laboratory, Great Ormond Street Hospital NHS Foundation Trust, North Thames Genomic Laboratory Hub
Classification: Likely pathogenic for MCADD - Medium-chain acyl-CoA dehydrogenase deficiency – full ACADM sequencing newborn screening follow up. Last evaluated: 2026-08-13. Review status: criteria provided, single submitter. Criteria: ACGS Best Practice Guidelines for Variant Classification in Rare Disease 2024 v1.2. Collection method: clinical testing. Allele origin: germline. Affected: yes.
Comment: PM2_moderate, PP3_supporting, PM3_moderate, PP4_strong

CeGaT Center for Human Genetics Tuebingen
Classification: Pathogenic. Last evaluated: 2026-07-01. Review status: criteria provided, single submitter. Criteria: CeGaT Center For Human Genetics Tuebingen Variant Classification Criteria Version 2. Collection method: clinical testing. Allele origin: germline. Affected: yes. Observed: 3 variant alleles.
Comment: ACADM: PM3:Very Strong, PM2, PM5, PP4:Moderate, PS3:Supporting

Labcorp Genetics (formerly Invitae), Labcorp
Classification: Pathogenic for Medium-chain acyl-coenzyme A dehydrogenase deficiency. Last evaluated: 2026-01-22. Review status: criteria provided, single submitter. Criteria: Invitae Variant Classification Sherloc (09022015). Collection method: clinical testing. Allele origin: germline.
Comment: This sequence change replaces cysteine, which is neutral and slightly polar, with tyrosine, which is neutral and polar, at codon 116 of the ACADM protein (p.Cys116Tyr). This variant is present in population databases (no rsID available, gnomAD 0.002%). This missense change has been observed in individual(s) with medium-chain acyl-coenzyme A dehydrogenase deficiency (PMID: 9158144, 19649258, 20567907, 29285339). This variant is also known as C91Y. ClinVar contains an entry for this variant (Variation ID: 226068). Invitae Evidence Modeling of protein sequence and biophysical properties (such as structural, functional, and spatial information, amino acid conservation, physicochemical variation, residue mobility, and thermodynamic stability) indicates that this missense variant is expected to disrupt ACADM protein function with a positive predictive value of 80%. For these reasons, this variant has been classified as Pathogenic.

Natera, Inc.
Classification: Pathogenic for Medium Chain Acyl-CoA Dehydrogenase Deficiency. Last evaluated: 2026-01-18. Review status: criteria provided, single submitter. Criteria: Natera Variant Classification Schema (03/2026). Collection method: clinical testing. Allele origin: germline.
Comment: The c.347G>A variant in ACADM is a missense variant predicted to cause substitution of cysteine to tyrosine at amino acid 116. This variant is rare in the general population with a frequency below the threshold expected for the associated phenotype(s). This variant has been observed in one or more individuals affected with the associated recessive disease, as either homozygous or compound heterozygous with a second variant (PMID: 34578803). Computational prediction algorithms indicate this variant is likely to affect gene or protein function. Given the available evidence, this variant is classified as Pathogenic.

Revvity Omics, Revvity
Classification: Pathogenic for Medium-chain acyl-coenzyme A dehydrogenase deficiency. Last evaluated: 2025-01-14. Review status: criteria provided, single submitter. Criteria: ACMG Guidelines, 2015. Collection method: clinical testing. Allele origin: germline.

Fulgent Genetics
Classification: Likely pathogenic for Medium-chain acyl-coenzyme A dehydrogenase deficiency. Last evaluated: 2024-05-19. Review status: criteria provided, single submitter. Criteria: ACMG Guidelines, 2015. Collection method: clinical testing. Allele origin: germline.

Baylor Genetics
Classification: Pathogenic for Medium-chain acyl-coenzyme A dehydrogenase deficiency. Last evaluated: 2024-03-19. Review status: criteria provided, single submitter. Criteria: ACMG Guidelines, 2015. Collection method: clinical testing. Allele origin: unknown.

Blueprint Genetics
Classification: Pathogenic for ACADM-related disorders. Last evaluated: 2024-03-14. Review status: criteria provided, single submitter. Criteria: ACMG Guidelines, 2015. Collection method: clinical testing. Allele origin: germline. Affected: yes. Observed: 4 variant alleles.

Women's Health and Genetics/Laboratory Corporation of America, LabCorp
Classification: Likely pathogenic for Medium-chain acyl-coenzyme A dehydrogenase deficiency. Last evaluated: 2023-08-19. Review status: criteria provided, single submitter. Criteria: LabCorp Variant Classification Summary - May 2015. Collection method: clinical testing. Allele origin: germline.
Comment: Variant summary: ACADM c.347G>A (p.Cys116Tyr) results in a non-conservative amino acid change in the encoded protein sequence. Five of five in-silico tools predict a damaging effect of the variant on protein function. The variant allele was found at a frequency of 8e-06 in 251440 control chromosomes. c.347G>A has been reported in the literature as a biallelic compound heterozygous genotype in individuals affected with biochemically and clinically consistent features of Medium Chain Acyl-CoA Dehydrogenase Deficiency (example, Andresen_1997, ter Veld_2009, Al-Hassnan_2010, Dobrowlski_2017). These data indicate that the variant is likely to be associated with disease. To our knowledge, no variant specific experimental evidence demonstrating an impact on protein function has been reported. The following publications have been ascertained in the context of this evaluation (PMID: 20567907, 9158144, 29285339, 19649258). Four submitters have cited clinical-significance assessments for this variant to ClinVar after 2014. All submitters classified the variant as pathogenic/likely pathogenic. Based on the evidence outlined above, the variant was classified as likely pathogenic.

ARUP Laboratories, Molecular Genetics and Genomics, ARUP Laboratories
Classification: Pathogenic for Medium-chain acyl-coenzyme A dehydrogenase deficiency. Last evaluated: 2015-02-20. Review status: criteria provided, single submitter. Criteria: ACMG Guidelines, 2015. Collection method: clinical testing. Allele origin: germline. Inheritance: Autosomal recessive inheritance. Observed: 2 heterozygotes.

Counsyl
Classification: Likely pathogenic for Medium-chain acyl-coenzyme A dehydrogenase deficiency. Last evaluated: 2017-10-04. Review status: no assertion criteria provided. Collection method: clinical testing. Allele origin: unknown. Not counted in ClinVar's aggregate classification.

Literature cited by the submitters: PubMed 9158144 (cited by 3 submitters); PubMed 19649258 (cited by 3 submitters); PubMed 20567907 (cited by 3 submitters); PubMed 29285339 (cited by Labcorp Genetics (formerly Invitae), Labcorp and Women's Health and Genetics/Laboratory Corporation of America, LabCorp); PubMed 34578803 (cited by Natera, Inc.).

NM_000016.6(ACADM):c.347G>A (p.Cys116Tyr)

Gene: ACADM (acyl-CoA dehydrogenase medium chain; plus strand). Cytogenetic location: 1p31.1.
Variant type: single nucleotide variant.
Coding change: c.347G>A on transcript NM_000016.6 (MANE Select); coding-DNA position 347, G replaced by A.
Protein change: p.Cys116Tyr; replaces cysteine 116 with tyrosine.
Molecular consequence: missense variant. On other transcripts: intron variant (1).
Genome position (GRCh38, 1-based): chr1:75,733,588, G>A. VCF-style: chr1-75733588-G-A. GRCh37 (hg19) VCF-style: chr1-76199273-G-A.
Other names: c.359G>A, p.Cys120Tyr (NM_001127328.3); c.239G>A, p.Cys80Tyr (NM_001286042.2); c.446G>A, p.Cys149Tyr (NM_001286043.2); c.-100+666G>A (NM_001286044.2); short protein forms C116Y, C120Y, C80Y, C149Y.
Identifiers: ClinVar variation 226068 (VCV000226068.46), dbSNP rs875989859, ClinGen allele CA10576226.
Genomic context (GRCh38, chr1:75,733,588, plus strand): 5'-GAGGTCTTGGACTTGGAACTTTTGATGCTTGTTTAATTAGTGAAGAATTGGCTTATGGAT[G>A]TACAGGGGTTCAGACTGCTATTGAAGGAAATTCTTTGGGGGTAAGTGACTTAGAAAATTA-3'
Protein context (NP_000007.1, residues 106-126): CLISEELAYG[Cys116Tyr]TGVQTAIEGN